The following is an entry in ClinVar:

ClinVar aggregate classification (germline): Benign. Review status: criteria provided, multiple submitters, no conflicts (2 of 4 stars). 3 submissions from 2 submitters: Benign (3). Last evaluated 2021-05-21.

Conditions:
Charcot-Marie-Tooth disease, axonal, with vocal cord paresis, autosomal recessive. Also called: CHARCOT-MARIE-TOOTH DISEASE, TYPE 4A, AXONAL FORM; CHARCOT-MARIE-TOOTH NEUROPATHY, AXONAL, WITH VOCAL CORD PARESIS, AUTOSOMAL RECESSIVE; CMT2 WITH VOCAL CORD PARESIS, AUTOSOMAL RECESSIVE. Identifiers: Orphanet 101097, MedGen C1843183, MONDO:0011898, OMIM 607706.
Charcot-Marie-Tooth disease recessive intermediate A (CMTRIA). Also called: CHARCOT-MARIE-TOOTH NEUROPATHY, RECESSIVE INTERMEDIATE A. Identifiers: Orphanet 217055, MedGen C1842197, MONDO:0012014, OMIM 608340.

Allele frequency attached by ClinVar (database versions not stated): ExAC 0.00148; gnomAD exomes 0.00296 and 0.00492; gnomAD 0.02466 and 0.02649; TOPMed 0.02755; 1000 Genomes Project 0.02815; 1000 Genomes Project 30x 0.02920.
gnomAD v4.1: 4,626 of 450,844 alleles (1%); highest among the groups gnomAD compares: African/African-American, 8.4%; 181 homozygotes.

Submissions (3):

GeneDx
Classification: Benign. Last evaluated: 2021-05-21. Review status: criteria provided, single submitter. Criteria: GeneDx Variant Classification Process June 2021. Collection method: clinical testing. Allele origin: germline. Affected: yes.

Illumina Laboratory Services, Illumina
Classification: Benign for Charcot-Marie-Tooth disease, axonal, with vocal cord paresis, autosomal recessive. Last evaluated: 2018-01-12. Review status: criteria provided, single submitter. Criteria: ICSL Variant Classification Criteria 13 December 2019. Collection method: clinical testing. Allele origin: germline.
Comment: This variant was observed in the ICSL laboratory as part of a predisposition screen in an ostensibly healthy population. It had not been previously curated by ICSL or reported in the Human Gene Mutation Database (HGMD: prior to June 1st, 2018), and was therefore a candidate for classification through an automated scoring system. Utilizing variant allele frequency, disease prevalence and penetrance estimates, and inheritance mode, an automated score was calculated to assess if this variant is too frequent to cause the disease. Based on the score and internal cut-off values, a variant classified as benign is not then subjected to further curation. The score for this variant resulted in a classification of benign for this disease.

Illumina Laboratory Services, Illumina
Classification: Benign for Charcot-Marie-Tooth disease recessive intermediate A. Last evaluated: 2018-01-12. Review status: criteria provided, single submitter. Criteria: ICSL Variant Classification Criteria 13 December 2019. Collection method: clinical testing. Allele origin: germline.
Comment: the same text as in the submission from Illumina Laboratory Services, Illumina above.

NM_018972.4(GDAP1):c.*1647C>T

Gene: GDAP1 (ganglioside induced differentiation associated protein 1; plus strand). Cytogenetic location: 8q21.11.
Variant type: single nucleotide variant.
Coding change: c.*1647C>T on transcript NM_018972.4 (MANE Select); 1647 bases downstream of the stop codon, C replaced by T.
Molecular consequence: 3 prime UTR variant. On other transcripts: intron variant (1).
Genome position (GRCh38, 1-based): chr8:74,366,014, C>T. VCF-style: chr8-74366014-C-T. GRCh37 (hg19) VCF-style: chr8-75278249-C-T.
Other names: c.*1647C>T (NM_001040875.4, NM_001362929.2, NM_001362930.2 and 1 more transcripts); c.694+2961C>T (NM_001362931.2).
Identifiers: ClinVar variation 363749 (VCV000363749.8), dbSNP rs115466662, ClinGen allele CA4785332.